The following is an entry in ClinVar:

NM_001018113.3(FANCB):c.455T>C (p.Phe152Ser)

Gene: FANCB (FA complementation group B; minus strand). Cytogenetic location: Xp22.2.
Variant type: single nucleotide variant.
Coding change: c.455T>C on transcript NM_001018113.3 (MANE Select); coding-DNA position 455, T replaced by C.
Protein change: p.Phe152Ser; replaces phenylalanine 152 with serine.
Molecular consequence: missense variant.
Genome position (GRCh38, 1-based): chrX:14,865,056, A>G on the plus strand (T>C on the coding strand, the complement: FANCB is on the minus strand). VCF-style: chrX-14865056-A-G. GRCh37 (hg19) VCF-style: chrX-14883178-A-G.
Other names: c.455T>C, p.Phe152Ser (NM_001324162.2, NM_001410764.1, NM_152633.4); short protein forms F152S.
Identifiers: ClinVar variation 3668148 (VCV003668148.2).

ClinVar aggregate classification (germline): Uncertain significance (1 of 4 stars; one submission).

Conditions:
Fanconi anemia (FA). Also called: Fanconi's anemia. Identifiers: Orphanet 84, MedGen C0015625, MeSH D005199, MONDO:0019391.

gnomAD v4.1: 1 of 1,210,630 alleles (0.000083%); highest among the groups gnomAD compares: African/African-American, 0.0017%; no homozygotes.

Submission:

Labcorp Genetics (formerly Invitae), Labcorp
Classification: Uncertain significance for Fanconi anemia. Last evaluated: 2025-04-18. Review status: criteria provided, single submitter. Criteria: Invitae Variant Classification Sherloc (09022015). Collection method: clinical testing. Allele origin: germline.
Comment: This sequence change replaces phenylalanine, which is neutral and non-polar, with serine, which is neutral and polar, at codon 152 of the FANCB protein (p.Phe152Ser). This variant is present in population databases (no rsID available, gnomAD 0.008%). This variant has not been reported in the literature in individuals affected with FANCB-related conditions. ClinVar contains an entry for this variant (Variation ID: 3668148). Invitae Evidence Modeling of protein sequence and biophysical properties (such as structural, functional, and spatial information, amino acid conservation, physicochemical variation, residue mobility, and thermodynamic stability) indicates that this missense variant is not expected to disrupt FANCB protein function with a negative predictive value of 80%. In summary, the available evidence is currently insufficient to determine the role of this variant in disease. Therefore, it has been classified as a Variant of Uncertain Significance.